The following is an entry in ClinVar:

ClinVar aggregate classification (germline): Pathogenic (1 of 4 stars; one submission).

Submission:

Labcorp Genetics (formerly Invitae), Labcorp
Classification: Pathogenic. Last evaluated: 2024-10-15. Review status: criteria provided, single submitter. Criteria: Invitae Variant Classification Sherloc (09022015). Collection method: clinical testing. Allele origin: germline.
Comment: This sequence change creates a premature translational stop signal (p.Cys685Serfs*8) in the TOP3A gene. It is expected to result in an absent or disrupted protein product. Loss-of-function variants in TOP3A are known to be pathogenic (PMID: 30057030). This variant is not present in population databases (gnomAD no frequency). This variant has not been reported in the literature in individuals affected with TOP3A-related conditions. For these reasons, this variant has been classified as Pathogenic.

Literature cited by the submitters: PubMed 30057030.

NM_004618.5(TOP3A):c.2054_2055del (p.Cys685fs)

Gene: TOP3A (DNA topoisomerase III alpha; minus strand). Cytogenetic location: 17p11.2.
Variant type: Microsatellite.
Coding change: c.2054_2055del on transcript NM_004618.5 (MANE Select); coding-DNA positions 2054 to 2055, 2 bases deleted (GT; older notation c.2054_2055delGT).
Protein change: p.Cys685fs; shifts the reading frame from cysteine 685.
Molecular consequence: frameshift variant.
Genome position (GRCh38, 1-based): chr17:18,280,625-18,280,626, AC deleted on the plus strand (GT on the coding strand, the reverse complement: TOP3A is on the minus strand); deleting any 2 consecutive bases within chr17:18,280,625-18,280,628 gives the same sequence; the c. name uses the placement nearest the transcript's 3' end. VCF-style (leftmost placement, unchanged base first): chr17-18280624-GAC-G. GRCh37 (hg19) VCF-style: chr17-18183938-GAC-G.
Other names: c.1769_1770del, p.Cys590fs (NM_001320759.2); short protein forms C685fs, C590fs.
Identifiers: ClinVar variation 2121541 (VCV002121541.4), dbSNP rs2545594181, ClinGen allele CA2580614031.
Genomic context (GRCh38, chr17:18,280,624, plus strand): 5'-GACACACACTGCTGTCCCTGCTGGCCTCCAGCACCGAGTCAGGAAGCCACACAGCTGAGC[GAC>G]ACTCTGGGAAACCCATGCAGCTGAGGTAGAACCTGGGGACAAAGTGCCATGTCAGATGAT-3'